The following is an entry in ClinVar:

NM_004153.4(ORC1):c.721+1G>C

Gene: ORC1 (origin recognition complex subunit 1; minus strand). Cytogenetic location: 1p32.3.
Variant type: single nucleotide variant.
Coding change: c.721+1G>C on transcript NM_004153.4 (MANE Select); the canonical splice donor site of the intron after coding-DNA position 721, G replaced by C.
Molecular consequence: splice donor variant.
Genome position (GRCh38, 1-based): chr1:52,396,045, C>G on the plus strand (G>C on the coding strand, the complement: ORC1 is on the minus strand). VCF-style: chr1-52396045-C-G. GRCh37 (hg19) VCF-style: chr1-52861717-C-G.
Other names: c.721+1G>C (NM_001190818.2, NM_001190819.2).
Identifiers: ClinVar variation 225082 (VCV000225082.7), dbSNP rs869312957, ClinGen allele CA358233.
Genomic context (GRCh38, chr1:52,396,045, plus strand): 5'-ATTTTTATCACATAACCCTTTAGCCCCAGTATTGCCCACGGTGATCCATTCCACAACTTA[C>G]TGCCAAGCTCCAGCCTCTTTCTGGCTCTTGGGGTAAGAGGATGGGTAGGAGTTTGGCGAG-3'

ClinVar aggregate classification (germline): Likely pathogenic. Review status: criteria provided, multiple submitters, no conflicts (2 of 4 stars). 2 submissions from 2 submitters: Likely pathogenic (2). Last evaluated 2023-11-13.

Conditions:
Inborn genetic diseases. Identifiers: MedGen C0950123, MeSH D030342.

Allele frequency attached by ClinVar (database versions not stated): gnomAD 0.00001; gnomAD exomes 0.00001; TOPMed 0.00002.
gnomAD v4.1: 18 of 1,614,064 alleles (0.0011%); highest among the groups gnomAD compares: Non-Finnish European, 0.0015%; no homozygotes.

Submissions (2):

Labcorp Genetics (formerly Invitae), Labcorp
Classification: Likely pathogenic. Last evaluated: 2023-11-13. Review status: criteria provided, single submitter. Criteria: Invitae Variant Classification Sherloc (09022015). Collection method: clinical testing. Allele origin: germline.
Comment: This sequence change affects a donor splice site in intron 5 of the ORC1 gene. It is expected to disrupt RNA splicing. Variants that disrupt the donor or acceptor splice site typically lead to a loss of protein function (PMID: 16199547), and loss-of-function variants in ORC1 are known to be pathogenic (PMID: 21358633). This variant is present in population databases (no rsID available, gnomAD 0.007%). This variant has not been reported in the literature in individuals affected with ORC1-related conditions. ClinVar contains an entry for this variant (Variation ID: 225082). Algorithms developed to predict the effect of sequence changes on RNA splicing suggest that this variant may disrupt the consensus splice site. In summary, the currently available evidence indicates that the variant is pathogenic, but additional data are needed to prove that conclusively. Therefore, this variant has been classified as Likely Pathogenic.

Ambry Genetics
Classification: Likely pathogenic for Inborn genetic diseases. Last evaluated: 2013-11-21. Review status: criteria provided, single submitter. Criteria: Ambry Autosomal Dominant and X-Linked criteria (10/2015). Collection method: clinical testing. Allele origin: germline. Observed: 1 variant allele.

Literature cited by the submitters: PubMed 16199547 (cited by Labcorp Genetics (formerly Invitae), Labcorp); PubMed 21358633 (cited by Labcorp Genetics (formerly Invitae), Labcorp).